The following is an entry in ClinVar:

ClinVar aggregate classification (germline): Uncertain significance (1 of 4 stars; one submission).

Conditions:
MHC class I deficiency. Identifiers: Orphanet 34592, MedGen C6024714, MONDO:0011476.

Submission:

Labcorp Genetics (formerly Invitae), Labcorp
Classification: Uncertain significance for MHC class I deficiency 1. Last evaluated: 2024-12-22. Review status: criteria provided, single submitter. Criteria: Invitae Variant Classification Sherloc (09022015). Collection method: clinical testing. Allele origin: germline.
Comment: This sequence change replaces glutamic acid, which is acidic and polar, with leucine, which is neutral and non-polar, at codon 312 of the TAPBP protein (p.Glu312Leu). This variant is present in population databases (no rsID available, gnomAD 0.0004%). This variant has not been reported in the literature in individuals affected with TAPBP-related conditions. ClinVar contains an entry for this variant (Variation ID: 1364759). An algorithm developed to predict the effect of missense changes on protein structure and function (PolyPhen-2) suggests that this variant is likely to be disruptive. In summary, the available evidence is currently insufficient to determine the role of this variant in disease. Therefore, it has been classified as a Variant of Uncertain Significance.

NM_003190.5(TAPBP):c.934_935delinsTT (p.Glu312Leu)

Gene: TAPBP (TAP binding protein; minus strand). Cytogenetic location: 6p21.32.
Variant type: Indel.
Coding change: c.934_935delinsTT on transcript NM_003190.5 (MANE Select); coding-DNA positions 934 to 935, GA replaced by TT.
Protein change: p.Glu312Leu; replaces glutamic acid 312 with leucine.
Molecular consequence: missense variant.
Genome position (GRCh38, 1-based): chr6:33,304,572-33,304,573, TC replaced by AA on the plus strand (GA replaced by TT on the coding strand, the reverse complement: TAPBP is on the minus strand). VCF-style: chr6-33304572-TC-AA. GRCh37 (hg19) VCF-style: chr6-33272349-TC-AA.
Other names: c.934_935delinsTT, p.Glu312Leu (NM_172208.3); c.673_674delinsTT, p.Glu225Leu (NM_172209.3); short protein forms E312L, E225L.
Identifiers: ClinVar variation 1364759 (VCV001364759.8), dbSNP rs2150960747, ClinGen allele CA2573140277.